The following is an entry in ClinVar:

ClinVar aggregate classification (germline): Uncertain significance (1 of 4 stars; one submission).

Conditions:
Ullrich congenital muscular dystrophy 2 (UCMD2). Identifiers: Orphanet 75840, MedGen C4225314, MONDO:0014654, OMIM 616470.
Bethlem myopathy 2 (BTHLM2). Identifiers: Orphanet 536516, Orphanet 610, MedGen C4225313, MONDO:0034022, OMIM 616471.

Allele frequency attached by ClinVar (database versions not stated): gnomAD exomes below 0.00001.
gnomAD v4.1: 1 of 1,614,112 alleles (0.000062%); highest among the groups gnomAD compares: Non-Finnish European, 0.000085%; no homozygotes.

Submission:

Labcorp Genetics (formerly Invitae), Labcorp
Classification: Uncertain significance for Bethlem myopathy 2; Ullrich congenital muscular dystrophy 2. Last evaluated: 2018-09-20. Review status: criteria provided, single submitter. Criteria: Invitae Variant Classification Sherloc (09022015). Collection method: clinical testing. Allele origin: germline.
Comment: This sequence change replaces glutamic acid with aspartic acid at codon 1665 of the COL12A1 protein (p.Glu1665Asp). The glutamic acid residue is highly conserved and there is a small physicochemical difference between glutamic acid and aspartic acid. This variant is not present in population databases (ExAC no frequency). This variant has not been reported in the literature in individuals with COL12A1-related disease. Algorithms developed to predict the effect of missense changes on protein structure and function output the following: SIFT: "Deleterious"; PolyPhen-2: "Benign"; Align-GVGD: "Class C0". The aspartic acid amino acid residue is found in multiple mammalian species, suggesting that this missense change does not adversely affect protein function. These predictions have not been confirmed by published functional studies and their clinical significance is uncertain. In summary, the available evidence is currently insufficient to determine the role of this variant in disease. Therefore, it has been classified as a Variant of Uncertain Significance.

NM_004370.6(COL12A1):c.4995A>C (p.Glu1665Asp)

Gene: COL12A1 (collagen type XII alpha 1 chain; minus strand). Cytogenetic location: 6q13.
Variant type: single nucleotide variant.
Coding change: c.4995A>C on transcript NM_004370.6 (MANE Select); coding-DNA position 4995, A replaced by C.
Protein change: p.Glu1665Asp; replaces glutamic acid 1665 with aspartic acid.
Molecular consequence: missense variant.
Genome position (GRCh38, 1-based): chr6:75,138,924, T>G on the plus strand (A>C on the coding strand, the complement: COL12A1 is on the minus strand). VCF-style: chr6-75138924-T-G. GRCh37 (hg19) VCF-style: chr6-75848640-T-G.
Other names: c.1503A>C, p.Glu501Asp (NM_080645.3); short protein forms E1665D, E501D.
Identifiers: ClinVar variation 665397 (VCV000665397.9), dbSNP rs1582115930, ClinGen allele CA364739927.